The following is an entry in ClinVar:

ClinVar aggregate classification (germline): Pathogenic. Review status: criteria provided, multiple submitters, no conflicts (2 of 4 stars). 7 submissions from 7 submitters: Pathogenic (6). 1 of the submissions does not count toward it. Last evaluated 2024-06-13.

Conditions:
Congenital heart disease (CHD). Identifiers: MedGen C0152021, MONDO:0005453. Disease mechanism: unknown.
Failure to thrive. Also called: Pediatric failure to thrive. Identifiers: MedGen C2315100, HP:0001508.
Abnormal skeletal morphology. Also called: Abnormality of skeletal morphology. Identifiers: MedGen C4023165, HP:0011842.
Congenital heart defects and skeletal malformations syndrome. Identifiers: Orphanet 643503, MedGen C4539857, MONDO:0060532, OMIM 617602.
ABL1-related disorder. Also called: ABL1-related condition.

Submissions (7):

Blueprint Genetics
Classification: Pathogenic for ABL1-related disorders. Last evaluated: 2024-06-13. Review status: criteria provided, single submitter. Criteria: ACMG Guidelines, 2015. Collection method: clinical testing. Allele origin: germline. Affected: yes. Observed: 1 variant allele.

Foundation for Research in Genetics and Endocrinology, FRIGE's Institute of Human Genetics
Classification: Pathogenic for Congenital heart defects and skeletal malformations syndrome. Last evaluated: 2023-10-31. Review status: criteria provided, single submitter. Criteria: ACMG Guidelines, 2015. Collection method: clinical testing. Allele origin: germline. Inheritance: Autosomal dominant inheritance. Affected: yes. Observed: 1 heterozygote.
Comment: A heterozygous missense variant in exon 6 of the ABL1 gene that results in the amino acid substitution of Threonine for Alanine at codon 337 (p.Ala337Thr) was detected. This variant has not been reported in the 1000 genomes, gnomAD (v3.1), gnomdAD (v2.1) and topmed databases. The in-silico predictions of the variant are probably damaging by PolyPhen-2 (HumDiv), and damaging by SIFT, LRT and MutationTaster2. The reference codon is conserved across species. In summary, the variant meets our criteria to be classified as pathogenic.

Labcorp Genetics (formerly Invitae), Labcorp
Classification: Pathogenic. Last evaluated: 2021-08-19. Review status: criteria provided, single submitter. Criteria: Invitae Variant Classification Sherloc (09022015). Collection method: clinical testing. Allele origin: germline.
Comment: For these reasons, this variant has been classified as Pathogenic. Experimental studies have shown that this missense change affects ABL1 function (PMID: 28288113). Advanced modeling of protein sequence and biophysical properties (such as structural, functional, and spatial information, amino acid conservation, physicochemical variation, residue mobility, and thermodynamic stability) performed at Invitae indicates that this missense variant is expected to disrupt ABL1 protein function. ClinVar contains an entry for this variant (Variation ID: 374794). This missense change has been observed in individual(s) with congenital heart defects and skeletal malformations syndrome (PMID: 28288113, 32643838). In at least one individual the variant was observed to be de novo. This variant is not present in population databases (ExAC no frequency). This sequence change replaces alanine with threonine at codon 356 of the ABL1 protein (p.Ala356Thr). The alanine residue is highly conserved and there is a small physicochemical difference between alanine and threonine.

Human Development and Health, University of Southampton
Classification: Pathogenic for Congenital heart defects and skeletal malformations syndrome. Last evaluated: 2020-01-01. Review status: criteria provided, single submitter. Criteria: ACMG Guidelines, 2015. Collection method: clinical testing, in vitro. Allele origin: de novo, not applicable. Affected: yes. Observed: 2 heterozygotes.
Comment: Highly conserved nucleotide (phyloP 6.067) with amino acid conserved to D. melanogaster, variant absent from ExAC, SIFT predicted damaging (0.019), Mutation Taster predicted Disease causing (P:0.999), CADD score 31, de novo, phenotype fits with ABL1-related malformation syndrome. DECIPHER 304716. Part of a cohort submitted for publication.

GeneDx
Classification: Pathogenic. Last evaluated: 2018-07-03. Review status: criteria provided, single submitter. Criteria: GeneDx Variant Classification (06012015). Collection method: clinical testing. Allele origin: germline. Affected: yes.
Comment: The A356T pathogenic variant in the ABL1 gene has been reported previously as a de novo variant in an individual with features of ABL1-related disorder (Wang et al., 2017). The A356T variant is not observed in large population cohorts (Lek et al., 2016; 1000 Genomes Consortium et al., 2015; Exome Variant Server). The A356T variant is a non-conservative amino acid substitution, which is likely to impact secondary protein structure as these residues differ in polarity, charge, size and/or other properties. This substitution occurs at a position that is conserved across species. Functional studies indicate that the A356T variant is associated with increased tyrosine phosphorylation (Wang et al., 2017). We interpret A356T as a pathogenic variant.

Baylor Genetics
Classification: Pathogenic for Congenital heart disease; Abnormal skeletal morphology; failure to gain weight. Last evaluated: 2016-12-11. Review status: criteria provided, single submitter. Criteria: ACMG Guidelines, 2015. Collection method: clinical testing. Allele origin: de novo. Inheritance: Autosomal dominant inheritance. Affected: yes. Observed: 1 variant allele, 1 heterozygote.

OMIM
Classification: Pathogenic for CONGENITAL HEART DEFECTS AND SKELETAL MALFORMATIONS SYNDROME. Last evaluated: 2021-11-11. Review status: no assertion criteria provided. Collection method: literature only. Allele origin: germline. Not counted in ClinVar's aggregate classification.

Literature cited by the submitters: PubMed 28288113 (cited by 3 submitters); PubMed 32643838 (cited by Labcorp Genetics (formerly Invitae), Labcorp and OMIM).

NM_005157.6(ABL1):c.1009G>A (p.Ala337Thr)

Gene: ABL1 (ABL proto-oncogene 1, non-receptor tyrosine kinase; plus strand). Cytogenetic location: 9q34.12.
Variant type: single nucleotide variant.
Coding change: c.1009G>A on transcript NM_005157.6 (MANE Select); coding-DNA position 1009, G replaced by A.
Protein change: p.Ala337Thr; replaces alanine 337 with threonine.
Molecular consequence: missense variant.
Genome position (GRCh38, 1-based): chr9:130,872,961, G>A. VCF-style: chr9-130872961-G-A. GRCh37 (hg19) VCF-style: chr9-133748348-G-A.
Other names: p.Ala337Thr; c.1066G>A, p.Ala356Thr (NM_007313.3); short protein forms A337T, A356T.
Identifiers: ClinVar variation 374794 (VCV000374794.11), dbSNP rs1060499548, ClinGen allele CA16609341.